The following is an entry in ClinVar:

NM_004260.4(RECQL4):c.1391-4_1391-3delinsTT

Gene: RECQL4 (RecQ like helicase 4; minus strand). Cytogenetic location: 8q24.3.
Variant type: Indel.
Coding change: c.1391-4_1391-3delinsTT on transcript NM_004260.4 (MANE Select); 4 bases into the intron before coding-DNA position 1391 through 3 bases into the intron before coding-DNA position 1391, GC replaced by TT.
Molecular consequence: intron variant.
Genome position (GRCh38, 1-based): chr8:144,515,245-144,515,246, GC replaced by AA on the plus strand (GC replaced by TT on the coding strand, the reverse complement: RECQL4 is on the minus strand). VCF-style: chr8-144515245-GC-AA. GRCh37 (hg19) VCF-style: chr8-145740629-GC-AA.
Other names: c.1295-4_1295-3delinsTT (NM_001413017.1, NM_001413020.1); c.254-4_254-3delinsTT (NM_001413027.1, NM_001413032.1, NM_001413031.1 and 2 more transcripts); c.1391-4_1391-3delinsTT (NM_001413039.1, NM_001413033.1, NM_001413018.1 and 2 more transcripts); c.1262-4_1262-3delinsTT (NM_001413025.1); c.1040-4_1040-3delinsTT (NM_001413029.1); c.320-4_320-3delinsTT (NM_001413035.1, NM_001413040.1, NM_001413021.1 and 8 more transcripts); c.-77-4_-77-3delinsTT (NM_001413043.1).
Identifiers: ClinVar variation 3638921 (VCV003638921.2).

ClinVar aggregate classification (germline): Uncertain significance (1 of 4 stars; one submission).

Conditions:
Baller-Gerold syndrome (BGS). Also called: CRANIOSYNOSTOSIS WITH RADIAL DEFECTS. Identifiers: Orphanet 1225, MedGen C0265308, MONDO:0009039, OMIM 218600.

Submission:

Labcorp Genetics (formerly Invitae), Labcorp
Classification: Uncertain significance for Baller-Gerold syndrome. Last evaluated: 2024-02-05. Review status: criteria provided, single submitter. Criteria: Invitae Variant Classification Sherloc (09022015). Collection method: clinical testing. Allele origin: germline.
Comment: This sequence change falls in intron 7 of the RECQL4 gene. It does not directly change the encoded amino acid sequence of the RECQL4 protein. It affects a nucleotide within the consensus splice site. Information on the frequency of this variant in the gnomAD database is not available, as this variant may be reported differently in the database. This variant has not been reported in the literature in individuals affected with RECQL4-related conditions. Variants that disrupt the consensus splice site are a relatively common cause of aberrant splicing (PMID: 17576681, 9536098). Experimental studies and prediction algorithms are not available or were not evaluated, and the effect of this variant on mRNA splicing is currently unknown. In summary, the available evidence is currently insufficient to determine the role of this variant in disease. Therefore, it has been classified as a Variant of Uncertain Significance.

Literature cited by the submitters: PubMed 17576681; PubMed 9536098.